The following is an entry in ClinVar:

NM_001365951.3(KIF1B):c.1724A>C (p.His575Pro)

Gene: KIF1B (kinesin family member 1B; plus strand). Cytogenetic location: 1p36.22.
Variant type: single nucleotide variant.
Coding change: c.1724A>C on transcript NM_001365951.3 (MANE Select); coding-DNA position 1724, A replaced by C.
Protein change: p.His575Pro; replaces histidine 575 with proline.
Molecular consequence: missense variant.
Genome position (GRCh38, 1-based): chr1:10,295,713, A>C. VCF-style: chr1-10295713-A-C. GRCh37 (hg19) VCF-style: chr1-10355771-A-C.
Other names: c.1724A>C, p.His575Pro (NM_001365952.1); c.1586A>C, p.His529Pro (NM_001365953.1, NM_015074.3, NM_183416.4); short protein forms H575P, H529P.
Identifiers: ClinVar variation 4706517 (VCV004706517.1).

ClinVar aggregate classification (germline): Uncertain significance (1 of 4 stars; one submission).

Conditions:
Charcot-Marie-Tooth disease type 2. Also called: Charcot-Marie-Tooth type 2. Identifiers: Orphanet 64746, MedGen C0270914, MONDO:0018993.

Submission:

Labcorp Genetics (formerly Invitae), Labcorp
Classification: Uncertain significance for Charcot-Marie-Tooth disease type 2. Last evaluated: 2025-04-18. Review status: criteria provided, single submitter. Criteria: Invitae Variant Classification Sherloc (09022015). Collection method: clinical testing. Allele origin: germline.
Comment: This sequence change replaces histidine, which is basic and polar, with proline, which is neutral and non-polar, at codon 529 of the KIF1B protein (p.His529Pro). This variant is not present in population databases (gnomAD no frequency). This variant has not been reported in the literature in individuals affected with KIF1B-related conditions. Invitae Evidence Modeling of protein sequence and biophysical properties (such as structural, functional, and spatial information, amino acid conservation, physicochemical variation, residue mobility, and thermodynamic stability) indicates that this missense variant is not expected to disrupt KIF1B protein function with a negative predictive value of 80%. In summary, the available evidence is currently insufficient to determine the role of this variant in disease. Therefore, it has been classified as a Variant of Uncertain Significance.